The following is an entry in ClinVar:

NM_000038.6(APC):c.7697G>T (p.Arg2566Ile)

Gene: APC (APC regulator of Wnt signaling pathway; plus strand). Cytogenetic location: 5q22.2.
Variant type: single nucleotide variant.
Coding change: c.7697G>T on transcript NM_000038.6 (MANE Select); coding-DNA position 7697, G replaced by T.
Protein change: p.Arg2566Ile; replaces arginine 2566 with isoleucine.
Molecular consequence: missense variant.
Genome position (GRCh38, 1-based): chr5:112,843,291, G>T. VCF-style: chr5-112843291-G-T. GRCh37 (hg19) VCF-style: chr5-112178988-G-T.
Other names: c.7697G>T, p.Arg2566Ile (NM_001127510.3, NM_001354895.2, NM_001407450.1); c.7643G>T, p.Arg2548Ile (NM_001127511.3); c.7751G>T, p.Arg2584Ile (NM_001354896.2, NM_001407447.1, NM_001407448.1 and 1 more transcripts); c.7727G>T, p.Arg2576Ile (NM_001354897.2); c.7622G>T, p.Arg2541Ile (NM_001354898.2); c.7613G>T, p.Arg2538Ile (NM_001354899.2); c.7574G>T, p.Arg2525Ile (NM_001354900.2); c.7520G>T, p.Arg2507Ile (NM_001354901.2, NM_001407453.1); and 11 more; short protein forms R2465I, R2475I, R2548I, R2556I, R2584I, R2182I, R2406I, R2437I.
Identifiers: ClinVar variation 1760169 (VCV001760169.2), dbSNP rs2149992109, ClinGen allele CA16038051.

ClinVar aggregate classification (germline): Uncertain significance (1 of 4 stars; one submission).

Conditions:
Hereditary cancer-predisposing syndrome. Also called: Neoplastic Syndromes, Hereditary; Tumor predisposition; Hereditary Cancer Syndrome; Hereditary neoplastic syndrome. Identifiers: Orphanet 140162, MedGen C0027672, MeSH D009386, MONDO:0015356.

Allele frequency attached by ClinVar (database versions not stated): gnomAD exomes below 0.00001.
gnomAD v4.1: 1 of 1,613,484 alleles (0.000062%); highest among the groups gnomAD compares: East Asian, 0.0022%; no homozygotes.

Submission:

Ambry Genetics
Classification: Uncertain significance for Hereditary cancer-predisposing syndrome. Last evaluated: 2022-01-19. Review status: criteria provided, single submitter. Criteria: Ambry Variant Classification Scheme 2023. Collection method: clinical testing. Allele origin: germline.
Comment: The p.R2566I variant (also known as c.7697G>T), located in coding exon 15 of the APC gene, results from a G to T substitution at nucleotide position 7697. The arginine at codon 2566 is replaced by isoleucine, an amino acid with similar properties. This amino acid position is conserved. In addition, in silico predictors for this gene do not accurately predict pathogenicity. Since supporting evidence is limited at this time, the clinical significance of this alteration remains unclear.